The following is an entry in ClinVar:

ClinVar aggregate classification (germline): Uncertain significance (1 of 4 stars; one submission).

Conditions:
Cranioectodermal dysplasia 1 (CED1). Also called: LEVIN SYNDROME I. Identifiers: Orphanet 1515, MedGen C0432235, MONDO:0021093, OMIM 218330.

Submission:

Labcorp Genetics (formerly Invitae), Labcorp
Classification: Uncertain significance for Cranioectodermal dysplasia 1. Last evaluated: 2025-10-13. Review status: criteria provided, single submitter. Criteria: Invitae Variant Classification Sherloc (09022015). Collection method: clinical testing. Allele origin: germline.
Comment: This sequence change falls in intron 11 of the IFT122 gene. It does not directly change the encoded amino acid sequence of the IFT122 protein. It affects a nucleotide within the consensus splice site. This variant is not present in population databases (gnomAD no frequency). This variant has not been reported in the literature in individuals affected with IFT122-related conditions. ClinVar contains an entry for this variant (Variation ID: 2165945). Variants that disrupt the consensus splice site are a relatively common cause of aberrant splicing (PMID: 17576681, 9536098). Algorithms developed to predict the effect of sequence changes on RNA splicing suggest that this variant may disrupt the consensus splice site. In summary, the available evidence is currently insufficient to determine the role of this variant in disease. Therefore, it has been classified as a Variant of Uncertain Significance.

Literature cited by the submitters: PubMed 17576681; PubMed 9536098.

NM_052989.3(IFT122):c.1008+3A>C

Gene: IFT122 (intraflagellar transport 122; plus strand). Cytogenetic location: 3q21.3.
Variant type: single nucleotide variant.
Coding change: c.1008+3A>C on transcript NM_052989.3 (MANE Select); 3 bases into the intron after coding-DNA position 1008, A replaced by C.
Molecular consequence: intron variant.
Genome position (GRCh38, 1-based): chr3:129,476,509, A>C. VCF-style: chr3-129476509-A-C. GRCh37 (hg19) VCF-style: chr3-129195352-A-C.
Other names: c.558+3A>C (NM_001280545.2); c.1161+3A>C (NM_052985.4); c.984+3A>C (NM_001280541.2); c.831+3A>C (NM_018262.4); c.381+3A>C (NM_001280546.2); c.675+3A>C (NM_052990.3).
Identifiers: ClinVar variation 2165945 (VCV002165945.4), dbSNP rs2531746930, ClinGen allele CA2580068719.